The following is an entry in ClinVar:

ClinVar aggregate classification (germline): Likely benign (1 of 4 stars; one submission).

Conditions:
MEIS1-related disorder. Also called: MEIS1-related condition.

gnomAD v4.1: 2,666 of 1,541,604 alleles (0.17%); highest among the groups gnomAD compares: Non-Finnish European, 0.22%; 5 homozygotes.

Submission:

PreventionGenetics, part of Exact Sciences
Classification: Likely benign for MEIS1-related condition. Last evaluated: 2025-03-14. Review status: criteria provided, single submitter. Criteria: ACMG Guidelines, 2015. Collection method: clinical testing. Allele origin: germline.
Comment: This variant is classified as likely benign based on ACMG/AMP sequence variant interpretation guidelines (Richards et al. 2015 PMID: 25741868, with internal and published modifications).

NM_002398.3(MEIS1):c.433-10A>G

Gene: MEIS1 (Meis homeobox 1; plus strand). Cytogenetic location: 2p14.
Variant type: single nucleotide variant.
Coding change: c.433-10A>G on transcript NM_002398.3 (MANE Select); 10 bases into the intron before coding-DNA position 433, A replaced by G.
Molecular consequence: intron variant.
Genome position (GRCh38, 1-based): chr2:66,441,404, A>G. VCF-style: chr2-66441404-A-G. GRCh37 (hg19) VCF-style: chr2-66668536-A-G.
Identifiers: ClinVar variation 4981083 (VCV004981083.1).
Genomic context (GRCh38, chr2:66,441,404, plus strand): 5'-TGGTAGAGCTGTGGCAGCCAGTTTTCTGCAAGCCAGGAATGGGGTGCTTATTGTTTTTGT[A>G]TCTTTGCAGATGATTCAAGCCATACAAGTATTAAGGTTTCATCTATTGGAATTAGAGAAG-3'